The following is an entry in ClinVar:

NM_001005242.3(PKP2):c.2134C>A (p.Leu712Met)

Gene: PKP2 (plakophilin 2; minus strand). Cytogenetic location: 12p11.21.
Variant type: single nucleotide variant.
Coding change: c.2134C>A on transcript NM_001005242.3 (MANE Select); coding-DNA position 2134, C replaced by A.
Protein change: p.Leu712Met; replaces leucine 712 with methionine.
Molecular consequence: missense variant.
Genome position (GRCh38, 1-based): chr12:32,802,436, G>T on the plus strand (C>A on the coding strand, the complement: PKP2 is on the minus strand). VCF-style: chr12-32802436-G-T. GRCh37 (hg19) VCF-style: chr12-32955370-G-T.
Other names: c.2134C>A, p.Leu712Met (NM_001407155.1); c.1969C>A, p.Leu657Met (NM_001407156.1); c.1807C>A, p.Leu603Met (NM_001407158.1, NM_001407159.1, NM_001407160.1); c.2266C>A, p.Leu756Met (NM_004572.4); short protein forms L603M, L657M, L712M, L756M.
Identifiers: ClinVar variation 3387465 (VCV003387465.1).

ClinVar aggregate classification (germline): Uncertain significance (1 of 4 stars; one submission).

Conditions:
Arrhythmogenic right ventricular cardiomyopathy (ARVD). Also called: Arrhythmogenic right ventricular dysplasia; Cardiomyopathy, ARVC; Arrhythmogenic cardiomyopathy; Arrhythmogenic Right Ventricular Cardiomyopathy (ARVC). Identifiers: Orphanet 247, MedGen C0349788, MeSH D019571, MONDO:0016587. Disease mechanism: loss of function. Inheritance: Various modes of inheritance.

Submission:

All of Us Research Program, National Institutes of Health
Classification: Uncertain significance for Arrhythmogenic right ventricular cardiomyopathy. Last evaluated: 2024-07-29. Review status: criteria provided, single submitter. Criteria: ACMG Guidelines, 2015. Collection method: clinical testing. Allele origin: germline. Inheritance: Autosomal dominant inheritance. Observed: 1 variant allele, 1 heterozygote.
Comment: This missense variant replaces leucine with methionine at codon 756 of the PKP2 protein. Computational prediction suggests that this variant may not impact protein structure and function (internally defined REVEL score threshold <= 0.5, PMID: 27666373). To our knowledge, functional studies have not been reported for this variant. This variant has not been reported in individuals affected with PKP2-related disorders in the literature. This variant has not been identified in the general population by the Genome Aggregation Database (gnomAD). The available evidence is insufficient to determine the role of this variant in disease conclusively. Therefore, this variant is classified as a Variant of Uncertain Significance.

This study involves interpretation of variants in research participants for the purpose of population health screening. Participant phenotype was not available at the time of variant classification. Additional details can be found in publication PMID: 35346344, PMCID: PMC8962531